The following is an entry in ClinVar:

ClinVar aggregate classification (germline): Pathogenic/Likely pathogenic. Review status: criteria provided, multiple submitters, no conflicts (2 of 4 stars). 4 submissions from 4 submitters: Pathogenic (1); Likely pathogenic (3). Last evaluated 2025-04-22.

Conditions:
GBE1-related disorder. Also called: GBE1-related condition; GBE1-related disorders. Identifiers: MedGen CN239402.
Glycogen storage disease, type IV (GSD4). Also called: Glycogen storage disease due to glycogen branching enzyme deficiency; AMYLOPECTINOSIS; ANDERSEN DISEASE; BRANCHER DEFICIENCY; CIRRHOSIS, FAMILIAL, WITH DEPOSITION OF ABNORMAL GLYCOGEN; GBE1 DEFICIENCY. Identifiers: Orphanet 367, MedGen C0017923, MONDO:0009292, OMIM 232500.
Glycogen storage disease IV, classic hepatic. Also called: GSD IV, CLASSIC HEPATIC. Identifiers: MedGen C1856301.

Allele frequency attached by ClinVar (database versions not stated): gnomAD exomes below 0.00001; gnomAD 0.00001; TOPMed 0.00001.

Submissions (4):

Natera, Inc.
Classification: Likely pathogenic for Glycogen storage disease type IV. Last evaluated: 2025-04-22. Review status: criteria provided, single submitter. Criteria: Natera Variant Classification Schema (03/2026). Collection method: clinical testing. Allele origin: germline.
Comment: The c.1823_1824delAT variant in GBE1 is a frameshift variant predicted to shift the reading frame beginning at codon 608 and leads to a stop codon 4 codons downstream. This variant is expected to result in nonsense mediated decay, truncation, or a dysfunctional protein product. This variant is rare in the general population with a frequency below the threshold expected for the associated phenotype(s). Given the available evidence, this variant is classified as Likely Pathogenic.

Blueprint Genetics
Classification: Likely pathogenic for GBE1-related disorders. Last evaluated: 2024-06-06. Review status: criteria provided, single submitter. Criteria: ACMG Guidelines, 2015. Collection method: clinical testing. Allele origin: germline. Affected: yes. Observed: 5 variant alleles.

Labcorp Genetics (formerly Invitae), Labcorp
Classification: Pathogenic for Glycogen storage disease, type IV; Glycogen storage disease IV, classic hepatic. Last evaluated: 2023-12-18. Review status: criteria provided, single submitter. Criteria: Invitae Variant Classification Sherloc (09022015). Collection method: clinical testing. Allele origin: germline.
Comment: This sequence change creates a premature translational stop signal (p.His608Argfs*4) in the GBE1 gene. It is expected to result in an absent or disrupted protein product. Loss-of-function variants in GBE1 are known to be pathogenic (PMID: 15452297, 20058079). This variant is not present in population databases (gnomAD no frequency). This variant has not been reported in the literature in individuals affected with GBE1-related conditions. ClinVar contains an entry for this variant (Variation ID: 2176208). For these reasons, this variant has been classified as Pathogenic.

Baylor Genetics
Classification: Likely pathogenic for Glycogen storage disease, type IV. Last evaluated: 2023-02-01. Review status: criteria provided, single submitter. Criteria: ACMG Guidelines, 2015. Collection method: clinical testing. Allele origin: unknown.

Literature cited by the submitters: PubMed 15452297 (cited by Labcorp Genetics (formerly Invitae), Labcorp); PubMed 20058079 (cited by Labcorp Genetics (formerly Invitae), Labcorp).

NM_000158.4(GBE1):c.1823_1824del (p.His608fs)

Gene: GBE1 (1,4-alpha-glucan branching enzyme 1; minus strand). Cytogenetic location: 3p12.2.
Variant type: Deletion.
Coding change: c.1823_1824del on transcript NM_000158.4 (MANE Select); coding-DNA positions 1823 to 1824, 2 bases deleted (AT; older notation c.1823_1824delAT).
Protein change: p.His608fs; shifts the reading frame from histidine 608.
Molecular consequence: frameshift variant.
Genome position (GRCh38, 1-based): chr3:81,535,305-81,535,306, AT deleted on the plus strand (AT on the coding strand, the reverse complement: GBE1 is on the minus strand). VCF-style (leftmost placement, unchanged base first): chr3-81535304-CAT-C. GRCh37 (hg19) VCF-style: chr3-81584455-CAT-C.
Other names: short protein forms H608fs.
Identifiers: ClinVar variation 2176208 (VCV002176208.7), dbSNP rs1175447973, ClinGen allele CA910983026.